The following is an entry in ClinVar:

NM_198904.4(GABRG2):c.476A>G (p.Asp159Gly)

Gene: GABRG2 (gamma-aminobutyric acid type A receptor subunit gamma2; plus strand). Cytogenetic location: 5q34.
Variant type: single nucleotide variant.
Coding change: c.476A>G on transcript NM_198904.4 (MANE Select); coding-DNA position 476, A replaced by G.
Protein change: p.Asp159Gly; replaces aspartic acid 159 with glycine.
Molecular consequence: missense variant.
Genome position (GRCh38, 1-based): chr5:162,097,786, A>G. VCF-style: chr5-162097786-A-G. GRCh37 (hg19) VCF-style: chr5-161524792-A-G.
Other names: c.476A>G, p.Asp159Gly (NM_000816.3, NM_001375340.1, NM_001375341.1 and 4 more transcripts); c.467A>G, p.Asp156Gly (NM_001375339.1); c.410A>G, p.Asp137Gly (NM_001375345.1, NM_001375346.1); c.389A>G, p.Asp130Gly (NM_001375347.1); c.56A>G, p.Asp19Gly (NM_001375348.1, NM_001375350.1); c.191A>G, p.Asp64Gly (NM_001375349.1); short protein forms D130G, D137G, D156G, D159G, D19G, D64G.
Identifiers: ClinVar variation 3753880 (VCV003753880.2).

ClinVar aggregate classification (germline): Uncertain significance (1 of 4 stars; one submission).

Conditions:
Febrile seizures, familial, 8 (FEB8). Also called: CONVULSIONS, FAMILIAL FEBRILE, 8. Identifiers: Orphanet 36387, MedGen C1969810, MONDO:0011891, OMIM 607681.
EPILEPSY, CHILDHOOD ABSENCE, SUSCEPTIBILITY TO, 2 (ECA2). Identifiers: Orphanet 64280, MedGen C1843244, OMIM 607681.

Submission:

Labcorp Genetics (formerly Invitae), Labcorp
Classification: Uncertain significance for Febrile seizures, familial, 8; EPILEPSY, CHILDHOOD ABSENCE, SUSCEPTIBILITY TO, 2. Last evaluated: 2024-03-02. Review status: criteria provided, single submitter. Criteria: Invitae Variant Classification Sherloc (09022015). Collection method: clinical testing. Allele origin: germline.
Comment: This sequence change replaces aspartic acid, which is acidic and polar, with glycine, which is neutral and non-polar, at codon 159 of the GABRG2 protein (p.Asp159Gly). This variant is not present in population databases (gnomAD no frequency). This variant has not been reported in the literature in individuals affected with GABRG2-related conditions. Advanced modeling of protein sequence and biophysical properties (such as structural, functional, and spatial information, amino acid conservation, physicochemical variation, residue mobility, and thermodynamic stability) has been performed at Invitae for this missense variant, however the output from this modeling did not meet the statistical confidence thresholds required to predict the impact of this variant on GABRG2 protein function. In summary, the available evidence is currently insufficient to determine the role of this variant in disease. Therefore, it has been classified as a Variant of Uncertain Significance.